The following is an entry in ClinVar:

ClinVar aggregate classification (germline): Pathogenic (1 of 4 stars; one submission).

Conditions:
DYRK1A-related intellectual disability syndrome (MRD7). Also called: DYRK1A Syndrome; Intellectual developmental disorder, autosomal dominant 7. Identifiers: Orphanet 464306, MedGen C5568143, MONDO:0013578, OMIM 614104.

Submission:

MGZ Medical Genetics Center
Classification: Pathogenic for DYRK1A-related intellectual disability syndrome. Last evaluated: 2022-08-29. Review status: criteria provided, single submitter. Criteria: ACMG Guidelines, 2015. Collection method: clinical testing. Allele origin: germline. Affected: yes. Observed: 1 variant allele.
Comment: ACMG criteria applied: PVS1, PS2_SUP, PM2_SUP

NM_001347721.2(DYRK1A):c.1114_1133del (p.Pro372fs)

Gene: DYRK1A (dual specificity tyrosine phosphorylation regulated kinase 1A; plus strand). Cytogenetic location: 21q22.13.
Variant type: Deletion.
Coding change: c.1114_1133del on transcript NM_001347721.2 (MANE Select); coding-DNA positions 1114 to 1133, 20 bases deleted (CCTGCTCATATTCTTGACCA).
Protein change: p.Pro372fs; shifts the reading frame from proline 372.
Molecular consequence: frameshift variant.
Genome position (GRCh38, 1-based): chr21:37,496,160-37,496,179, CCTGCTCATATTCTTGACCA deleted; deleting any 20 consecutive bases within chr21:37,496,157-37,496,179 gives the same sequence; the c. name uses the placement nearest the transcript's 3' end. VCF-style (leftmost placement, unchanged base first): chr21-37496156-TCCACCTGCTCATATTCTTGA-T. GRCh37 (hg19) VCF-style: chr21-38868458-TCCACCTGCTCATATTCTTGA-T.
Other names: c.1114_1133del, p.Pro372fs (NM_001347722.2, NM_130436.2); c.1027_1046del, p.Pro343fs (NM_001347723.2); c.1141_1160del, p.Pro381fs (NM_001396.5, NM_101395.2, NM_130438.2); short protein forms P343fs, P372fs, P381fs.
Identifiers: ClinVar variation 1709300 (VCV001709300.2), dbSNP rs2518048199, ClinGen allele CA2580098695.
Genomic context (GRCh38, chr21:37,496,156, plus strand): 5'-GTTGTTTTTATTTTTAATACAGGTAGATCAGATGAATAAAATAGTGGAAGTTCTGGGTAT[TCCACCTGCTCATATTCTTGA>T]CCAAGCACCAAAAGCAAGAAAGTTCTTTGAGAAGTTGCCAGATGGCACTTGGAACTTAAA-3'